The following is an entry in ClinVar:

NM_004260.4(RECQL4):c.784C>G (p.Arg262Gly)

Gene: RECQL4 (RecQ like helicase 4; minus strand). Cytogenetic location: 8q24.3.
Variant type: single nucleotide variant.
Coding change: c.784C>G on transcript NM_004260.4 (MANE Select); coding-DNA position 784, C replaced by G.
Protein change: p.Arg262Gly; replaces arginine 262 with glycine.
Molecular consequence: missense variant. On other transcripts: 5 prime UTR variant (17), non-coding transcript variant (3).
Genome position (GRCh38, 1-based): chr8:144,516,335, G>C on the plus strand (C>G on the coding strand, the complement: RECQL4 is on the minus strand). VCF-style: chr8-144516335-G-C. GRCh37 (hg19) VCF-style: chr8-145741719-G-C.
Other names: c.784C>G (NM_004260.3); c.-557C>G (NM_001413043.1); c.784C>G, p.Arg262Gly (NM_001413017.1, NM_001413018.1, NM_001413019.1 and 4 more transcripts); c.-288C>G (NM_001413021.1, NM_001413022.1, NM_001413023.1 and 7 more transcripts); c.655C>G, p.Arg219Gly (NM_001413025.1); c.-350C>G (NM_001413027.1, NM_001413030.1, NM_001413031.1 and 2 more transcripts); c.433C>G, p.Arg145Gly (NM_001413029.1); c.-192C>G (NM_001413034.1); short protein forms R262G, R145G, R219G.
Identifiers: ClinVar variation 2978075 (VCV002978075.2), dbSNP rs781314533, ClinGen allele CA372689249.

ClinVar aggregate classification (germline): Uncertain significance. Review status: criteria provided, multiple submitters, no conflicts (2 of 4 stars). 2 submissions from 2 submitters: Uncertain significance (2). Last evaluated 2025-06-29.

Conditions:
Inborn genetic diseases. Identifiers: MedGen C0950123, MeSH D030342.
Baller-Gerold syndrome (BGS). Also called: CRANIOSYNOSTOSIS WITH RADIAL DEFECTS. Identifiers: Orphanet 1225, MedGen C0265308, MONDO:0009039, OMIM 218600.

Submissions (2):

Ambry Genetics
Classification: Uncertain significance for Inborn genetic diseases. Last evaluated: 2025-06-29. Review status: criteria provided, single submitter. Criteria: Ambry Variant Classification Scheme 2023. Collection method: clinical testing. Allele origin: germline.
Comment: The p.R262G variant (also known as c.784C>G), located in coding exon 5 of the RECQL4 gene, results from a C to G substitution at nucleotide position 784. The arginine at codon 262 is replaced by glycine, an amino acid with dissimilar properties. This amino acid position is conserved. In addition, this alteration is predicted to be tolerated by in silico analysis. Based on the available evidence, the clinical significance of this variant remains unclear.

Labcorp Genetics (formerly Invitae), Labcorp
Classification: Uncertain significance for Baller-Gerold syndrome. Last evaluated: 2023-10-15. Review status: criteria provided, single submitter. Criteria: Invitae Variant Classification Sherloc (09022015). Collection method: clinical testing. Allele origin: germline.
Comment: This sequence change replaces arginine, which is basic and polar, with glycine, which is neutral and non-polar, at codon 262 of the RECQL4 protein (p.Arg262Gly). This variant is not present in population databases (gnomAD no frequency). This variant has not been reported in the literature in individuals affected with RECQL4-related conditions. Advanced modeling of protein sequence and biophysical properties (such as structural, functional, and spatial information, amino acid conservation, physicochemical variation, residue mobility, and thermodynamic stability) performed at Invitae indicates that this missense variant is not expected to disrupt RECQL4 protein function. In summary, the available evidence is currently insufficient to determine the role of this variant in disease. Therefore, it has been classified as a Variant of Uncertain Significance.